The following is an entry in ClinVar:

ClinVar aggregate classification (germline): Uncertain significance (1 of 4 stars; one submission).

gnomAD v4.1: 1 of 1,613,882 alleles (0.000062%); highest among the groups gnomAD compares: South Asian, 0.0011%; no homozygotes.

Submission:

Labcorp Genetics (formerly Invitae), Labcorp
Classification: Uncertain significance. Last evaluated: 2022-08-09. Review status: criteria provided, single submitter. Criteria: Invitae Variant Classification Sherloc (09022015). Collection method: clinical testing. Allele origin: germline.
Comment: In summary, the available evidence is currently insufficient to determine the role of this variant in disease. Therefore, it has been classified as a Variant of Uncertain Significance. Advanced modeling of protein sequence and biophysical properties (such as structural, functional, and spatial information, amino acid conservation, physicochemical variation, residue mobility, and thermodynamic stability) performed at Invitae indicates that this missense variant is expected to disrupt CACNA1B protein function. This variant has not been reported in the literature in individuals affected with CACNA1B-related conditions. The frequency data for this variant in the population databases is considered unreliable, as metrics indicate poor data quality at this position in the gnomAD database. This sequence change replaces arginine, which is basic and polar, with leucine, which is neutral and non-polar, at codon 1451 of the CACNA1B protein (p.Arg1451Leu).

NM_000718.4(CACNA1B):c.4352G>T (p.Arg1451Leu)

Gene: CACNA1B (calcium voltage-gated channel subunit alpha1 B; plus strand). Cytogenetic location: 9q34.3.
Variant type: single nucleotide variant.
Coding change: c.4352G>T on transcript NM_000718.4 (MANE Select); coding-DNA position 4352, G replaced by T.
Protein change: p.Arg1451Leu; replaces arginine 1451 with leucine.
Molecular consequence: missense variant.
Genome position (GRCh38, 1-based): chr9:138,058,612, G>T. VCF-style: chr9-138058612-G-T. GRCh37 (hg19) VCF-style: chr9-140953064-G-T.
Other names: c.4352G>T, p.Arg1451Leu (NM_001243812.2); short protein forms R1451L.
Identifiers: ClinVar variation 2047661 (VCV002047661.4), dbSNP rs1289601418, ClinGen allele CA375814492.